The following is an entry in ClinVar:

ClinVar aggregate classification (germline): Uncertain significance (1 of 4 stars; one submission).

Conditions:
Hereditary cancer-predisposing syndrome. Also called: Hereditary Cancer Syndrome; Neoplastic Syndromes, Hereditary; Tumor predisposition; Hereditary neoplastic syndrome. Identifiers: Orphanet 140162, MedGen C0027672, MeSH D009386, MONDO:0015356.

Submission:

Ambry Genetics
Classification: Uncertain significance for Hereditary cancer-predisposing syndrome. Last evaluated: 2025-10-11. Review status: criteria provided, single submitter. Criteria: Ambry Variant Classification Scheme 2023. Collection method: clinical testing. Allele origin: germline.
Comment: The p.E396K variant (also known as c.1186G>A), located in coding exon 12 of the POLE gene, results from a G to A substitution at nucleotide position 1186. The glutamic acid at codon 396 is replaced by lysine, an amino acid with similar properties. This amino acid position is conserved. In addition, the in silico prediction for this alteration is inconclusive. Since supporting evidence is limited at this time, the clinical significance of this alteration remains unclear.

NM_006231.4(POLE):c.1186G>A (p.Glu396Lys)

Gene: POLE (DNA polymerase epsilon, catalytic subunit; minus strand). Cytogenetic location: 12q24.33.
Variant type: single nucleotide variant.
Coding change: c.1186G>A on transcript NM_006231.4 (MANE Select); coding-DNA position 1186, G replaced by A.
Protein change: p.Glu396Lys; replaces glutamic acid 396 with lysine.
Molecular consequence: missense variant.
Genome position (GRCh38, 1-based): chr12:132,675,438, C>T on the plus strand (G>A on the coding strand, the complement: POLE is on the minus strand). VCF-style: chr12-132675438-C-T. GRCh37 (hg19) VCF-style: chr12-133252024-C-T.
Other names: short protein forms E396K.
Identifiers: ClinVar variation 1743556 (VCV001743556.3), dbSNP rs776752006, ClinGen allele CA387360837.